The following is an entry in ClinVar:

NM_014874.4(MFN2):c.2092del (p.His698fs)

Gene: MFN2 (mitofusin 2; plus strand). Cytogenetic location: 1p36.22.
Variant type: Deletion.
Coding change: c.2092del on transcript NM_014874.4 (MANE Select); coding-DNA position 2092, one base deleted (C; older notation c.2092delC).
Protein change: p.His698fs; shifts the reading frame from histidine 698.
Molecular consequence: frameshift variant.
Genome position (GRCh38, 1-based): chr1:12,009,614, C deleted. VCF-style (leftmost placement, unchanged base first): chr1-12009613-TC-T. GRCh37 (hg19) VCF-style: chr1-12069670-TC-T.
Other names: c.2092delC (NM_014874.3); c.2092del, p.His698fs (NM_001127660.2); short protein forms H698fs.
Identifiers: ClinVar variation 642494 (VCV000642494.6), dbSNP rs1569882539, ClinGen allele CA915941141.

ClinVar aggregate classification (germline): Pathogenic (1 of 4 stars; one submission).

Conditions:
Charcot-Marie-Tooth disease type 2. Also called: Charcot-Marie-Tooth type 2. Identifiers: Orphanet 64746, MedGen C0270914, MONDO:0018993.

Allele frequency attached by ClinVar (database versions not stated): TOPMed below 0.00001; gnomAD exomes below 0.00001.

Submission:

Labcorp Genetics (formerly Invitae), Labcorp
Classification: Pathogenic for Charcot-Marie-Tooth disease type 2. Last evaluated: 2023-06-30. Review status: criteria provided, single submitter. Criteria: Invitae Variant Classification Sherloc (09022015). Collection method: clinical testing. Allele origin: germline.
Comment: This sequence change creates a premature translational stop signal (p.His698Ilefs*20) in the MFN2 gene. It is expected to result in an absent or disrupted protein product. Loss-of-function variants in MFN2 are known to be pathogenic (PMID: 16714318, 16835246, 21715711, 23781337, 26955893). This variant is not present in population databases (gnomAD no frequency). This variant has not been reported in the literature in individuals affected with MFN2-related conditions. ClinVar contains an entry for this variant (Variation ID: 642494). For these reasons, this variant has been classified as Pathogenic.

Literature cited by the submitters: PubMed 16714318; PubMed 16835246; PubMed 21715711; PubMed 23781337; PubMed 26955893.